The following is an entry in ClinVar:

ClinVar aggregate classification (germline): Uncertain significance. Review status: criteria provided, multiple submitters, no conflicts (2 of 4 stars). 8 submissions from 8 submitters: Uncertain significance (7). 1 of the submissions does not count toward it. Last evaluated 2025-06-11.

Conditions:
Glycogen storage disease, type V (GSD5). Also called: McArdle type glycogen storage disease; MYOPHOSPHORYLASE DEFICIENCY; MCARDLE DISEASE; MUSCLE GLYCOGEN PHOSPHORYLASE DEFICIENCY; PYGM DEFICIENCY. Identifiers: Orphanet 368, MedGen C0017924, MONDO:0009293, OMIM 232600.

Allele frequency attached by ClinVar (database versions not stated): gnomAD 0.00001 and 0.00003; ExAC 0.00002; gnomAD exomes 0.00005; TOPMed 0.00005; ESP Exome Variant Server 0.00008.
gnomAD v4.1: 91 of 1,614,014 alleles (0.0056%); highest among the groups gnomAD compares: Middle Eastern, 0.45%; 2 homozygotes.

Submissions (8):

Mayo Clinic Laboratories, Mayo Clinic
Classification: Uncertain significance. Last evaluated: 2025-06-11. Review status: criteria provided, single submitter. Criteria: ACMG Guidelines, 2015. Collection method: clinical testing. Allele origin: germline. Observed: 2 variant alleles.
Comment: BP4

Labcorp Genetics (formerly Invitae), Labcorp
Classification: Uncertain significance for Glycogen storage disease, type V. Last evaluated: 2022-07-03. Review status: criteria provided, single submitter. Criteria: Invitae Variant Classification Sherloc (09022015). Collection method: clinical testing. Allele origin: germline.
Comment: This sequence change replaces arginine, which is basic and polar, with glutamine, which is neutral and polar, at codon 3 of the PYGM protein (p.Arg3Gln). This variant is present in population databases (rs374812974, gnomAD 0.01%). This variant has not been reported in the literature in individuals affected with PYGM-related conditions. ClinVar contains an entry for this variant (Variation ID: 288565). Algorithms developed to predict the effect of missense changes on protein structure and function are either unavailable or do not agree on the potential impact of this missense change (SIFT: "Not Available"; PolyPhen-2: "Benign"; Align-GVGD: "Not Available"). In summary, the available evidence is currently insufficient to determine the role of this variant in disease. Therefore, it has been classified as a Variant of Uncertain Significance.

Blueprint Genetics
Classification: Uncertain significance. Last evaluated: 2021-06-10. Review status: criteria provided, single submitter. Criteria: ACMG Guidelines, 2015. Collection method: clinical testing. Allele origin: germline.

GeneDx
Classification: Uncertain significance. Last evaluated: 2019-12-16. Review status: criteria provided, single submitter. Criteria: GeneDx Variant Classification Process June 2021. Collection method: clinical testing. Allele origin: germline. Affected: yes.
Comment: The majority of missense variants in this gene are considered pathogenic (Stenson et al., 2014); Has not been previously published as pathogenic or benign to our knowledge

Revvity Omics, Revvity
Classification: Uncertain significance for Glycogen storage disease, type V. Last evaluated: 2019-07-23. Review status: criteria provided, single submitter. Criteria: ACMG Guidelines, 2015. Collection method: clinical testing. Allele origin: germline.

Eurofins Ntd Llc (ga)
Classification: Uncertain significance. Last evaluated: 2016-07-15. Review status: criteria provided, single submitter. Criteria: EGL Classification Definitions 2015. Collection method: clinical testing. Allele origin: germline. Observed: 1 variant allele, 1 heterozygote.

Breakthrough Genomics
Classification: Uncertain significance. Review status: criteria provided, single submitter. Criteria: ACMG Guidelines, 2015. Collection method: not provided. Allele origin: germline. Inheritance: Autosomal recessive inheritance. Affected: yes.

Natera, Inc.
Classification: Uncertain significance for Glycogen storage disease V. Last evaluated: 2020-03-10. Review status: no assertion criteria provided. Collection method: clinical testing. Allele origin: germline. Not counted in ClinVar's aggregate classification.

NM_005609.4(PYGM):c.8G>A (p.Arg3Gln)

Gene: PYGM (glycogen phosphorylase, muscle associated; minus strand). Cytogenetic location: 11q13.1.
Variant type: single nucleotide variant.
Coding change: c.8G>A on transcript NM_005609.4 (MANE Select); coding-DNA position 8, G replaced by A.
Protein change: p.Arg3Gln; replaces arginine 3 with glutamine.
Molecular consequence: missense variant.
Genome position (GRCh38, 1-based): chr11:64,759,891, C>T on the plus strand (G>A on the coding strand, the complement: PYGM is on the minus strand). VCF-style: chr11-64759891-C-T. GRCh37 (hg19) VCF-style: chr11-64527363-C-T.
Other names: p.Arg3Gln; c.8G>A, p.Arg3Gln (NM_001164716.1); short protein forms R3Q.
Identifiers: ClinVar variation 288565 (VCV000288565.15), dbSNP rs374812974, ClinGen allele CA6080395.
Genomic context (GRCh38, chr11:64,759,891, plus strand): 5'-TCCACGCCGGCCAGGCCACGCACACTGATTTGCTTTCTTTTCTCTTGGTCTGACAGGGGC[C>T]GGGACATGGCTGCAGGAGGGCGGGCCGGACTGGACTGATGGTAGAGGGGACGGCGGCCTC-3'
Protein context (NP_005600.1, residues 1-13): MS[Arg3Gln]PLSDQEKRKQ